The following is an entry in ClinVar:

NM_006225.4(PLCD1):c.992G>A (p.Arg331Gln)

Gene: PLCD1 (phospholipase C delta 1; minus strand). Cytogenetic location: 3p22.2.
Variant type: single nucleotide variant.
Coding change: c.992G>A on transcript NM_006225.4 (MANE Select); coding-DNA position 992, G replaced by A.
Protein change: p.Arg331Gln; replaces arginine 331 with glutamine.
Molecular consequence: missense variant. On other transcripts: non-coding transcript variant (1).
Genome position (GRCh38, 1-based): chr3:38,010,361, C>T on the plus strand (G>A on the coding strand, the complement: PLCD1 is on the minus strand). VCF-style: chr3-38010361-C-T. GRCh37 (hg19) VCF-style: chr3-38051852-C-T.
Other names: c.1055G>A, p.Arg352Gln (NM_001130964.2); short protein forms R331Q, R352Q.
Identifiers: ClinVar variation 2663335 (VCV002663335.1), dbSNP rs1340615883, ClinGen allele CA352114939.

ClinVar aggregate classification (germline): Likely pathogenic (1 of 4 stars; one submission).

Allele frequency attached by ClinVar (database versions not stated): gnomAD 0.00001; TOPMed 0.00001.
gnomAD v4.1: 3 of 1,614,040 alleles (0.00019%); highest among the groups gnomAD compares: South Asian, 0.0011%; no homozygotes.

Submission:

GeneDx
Classification: Likely pathogenic. Last evaluated: 2023-05-03. Review status: criteria provided, single submitter. Criteria: GeneDx Variant Classification Process June 2021. Collection method: clinical testing. Allele origin: germline. Affected: yes.
Comment: Published functional studies demonstrate aberrant splicing (Farooq et al., 2012); In silico analysis supports that this missense variant has a deleterious effect on protein structure/function; Not observed at significant frequency in large population cohorts (gnomAD); This variant is associated with the following publications: (PMID: 22458588, 26149975)